The following is an entry in ClinVar:

NM_000284.4(PDHA1):c.69G>A (p.Val23=)

Gene: PDHA1 (pyruvate dehydrogenase E1 subunit alpha 1; plus strand). Cytogenetic location: Xp22.12.
Variant type: single nucleotide variant.
Coding change: c.69G>A on transcript NM_000284.4 (MANE Select); coding-DNA position 69, G replaced by A.
Protein change: p.Val23=; no amino-acid change (valine 23 retained).
Molecular consequence: synonymous variant.
Genome position (GRCh38, 1-based): chrX:19,349,323, G>A. VCF-style: chrX-19349323-G-A. GRCh37 (hg19) VCF-style: chrX-19367441-G-A.
Other names: c.183G>A, p.Val61= (NM_001173454.2); c.69G>A, p.Val23= (NM_001173455.2, NM_001173456.2).
Identifiers: ClinVar variation 914927 (VCV000914927.12), dbSNP rs770667770, ClinGen allele CA10362981.

ClinVar aggregate classification (germline): Benign/Likely benign. Review status: criteria provided, multiple submitters, no conflicts (2 of 4 stars). 2 submissions from 2 submitters: Benign (1); Likely benign (1). Last evaluated 2024-04-11.

Conditions:
Pyruvate dehydrogenase E1-alpha deficiency (PDHAD). Also called: Ataxia, intermittent, with pyruvate dehydrogenase, or decarboxylase, deficiency; ATAXIA, INTERMITTENT, WITH PYRUVATE DEHYDROGENASE DEFICIENCY; ATAXIA WITH LACTIC ACIDOSIS I; ATAXIA, INTERMITTENT, WITH ABNORMAL PYRUVATE METABOLISM. Identifiers: Orphanet 79243, MedGen C1839413, MONDO:0010717, OMIM 312170.

Allele frequency attached by ClinVar (database versions not stated): gnomAD 0.00003 and 0.00004; gnomAD exomes 0.00005; ExAC 0.00006; TOPMed 0.00006.
gnomAD v4.1: 59 of 1,180,080 alleles (0.005%); highest among the groups gnomAD compares: Non-Finnish European, 0.0067%; no homozygotes.

Submissions (2):

Labcorp Genetics (formerly Invitae), Labcorp
Classification: Benign for Pyruvate dehydrogenase E1-alpha deficiency. Last evaluated: 2024-04-11. Review status: criteria provided, single submitter. Criteria: Invitae Variant Classification Sherloc (09022015). Collection method: clinical testing. Allele origin: germline.

Illumina Laboratory Services, Illumina
Classification: Likely benign for Pyruvate dehydrogenase E1-alpha deficiency. Last evaluated: 2018-01-12. Review status: criteria provided, single submitter. Criteria: ICSL Variant Classification Criteria 13 December 2019. Collection method: clinical testing. Allele origin: germline.
Comment: This variant was observed in the ICSL laboratory as part of a predisposition screen in an ostensibly healthy population. It had not been previously curated by ICSL or reported in the Human Gene Mutation Database (HGMD: prior to June 1st, 2018), and was therefore a candidate for classification through an automated scoring system. Utilizing variant allele frequency, disease prevalence and penetrance estimates, and inheritance mode, an automated score was calculated to assess if this variant is too frequent to cause the disease. Based on the score and internal cut-off values, a variant classified as likely benign is not then subjected to further curation. The score for this variant resulted in a classification of likely benign for this disease.